The following is an entry in ClinVar:

ClinVar aggregate classification (germline): Pathogenic (1 of 4 stars; one submission).

Submission:

GeneDx
Classification: Pathogenic. Last evaluated: 2026-06-02. Review status: criteria provided, single submitter. Criteria: GeneDx Variant Classification Process June 2021. Collection method: clinical testing. Allele origin: germline.
Comment: Not observed at significant frequency in large population cohorts (gnomAD); In silico analysis supports that this missense variant has a deleterious effect on protein structure/function; Has not been previously published as pathogenic or benign to our knowledge

NM_000516.7(GNAS):c.506A>G (p.Tyr169Cys)

Gene: GNAS (GNAS complex locus; plus strand). Cytogenetic location: 20q13.32.
Variant type: single nucleotide variant.
Coding change: c.506A>G on transcript NM_000516.7 (MANE Select); coding-DNA position 506, A replaced by G.
Protein change: p.Tyr169Cys; replaces tyrosine 169 with cysteine.
Molecular consequence: missense variant. On other transcripts: 3 prime UTR variant (2).
Genome position (GRCh38, 1-based): chr20:58,905,456, A>G. VCF-style: chr20-58905456-A-G. GRCh37 (hg19) VCF-style: chr20-57480511-A-G.
Other names: c.509A>G, p.Tyr170Cys (NM_001077488.5); c.461A>G, p.Tyr154Cys (NM_001077489.4); c.*367A>G (NM_001077490.3); c.329A>G, p.Tyr110Cys (NM_001309840.2, NM_001309861.2); c.410A>G, p.Tyr137Cys (NM_001410912.1); c.2390A>G, p.Tyr797Cys (NM_001410913.1); c.*412A>G (NM_016592.5); c.2435A>G, p.Tyr812Cys (NM_080425.4); and 1 more; short protein forms Y110C, Y137C, Y154C, Y155C, Y169C, Y170C, Y797C, Y812C.
Identifiers: ClinVar variation 3252719 (VCV003252719.2), dbSNP rs2517138644.